The following is an entry in ClinVar:

NM_130839.5(UBE3A):c.986A>T (p.Asn329Ile)

Genes: SNHG14 (small nucleolar RNA host gene 14; plus strand), UBE3A (ubiquitin protein ligase E3A; minus strand). Cytogenetic location: 15q11.2.
Variant type: single nucleotide variant.
Coding change: c.986A>T on transcript NM_130839.5 (MANE Select); coding-DNA position 986, A replaced by T.
Protein change: p.Asn329Ile; replaces asparagine 329 with isoleucine.
Molecular consequence: missense variant. On other transcripts: non-coding transcript variant (1), intron variant (2).
Genome position (GRCh38, 1-based): chr15:25,371,188, T>A on the plus strand (A>T on the coding strand, the complement: UBE3A is on the minus strand). VCF-style: chr15-25371188-T-A. GRCh37 (hg19) VCF-style: chr15-25616335-T-A.
Other names: c.995A>T, p.Asn332Ile (NM_000462.5); c.986A>T, p.Asn329Ile (NM_001354505.1, NM_001354538.2, NM_001354545.2); c.926A>T, p.Asn309Ile (NM_001354506.2, NM_001354507.2, NM_001354508.2 and 17 more transcripts); c.301+4277A>T (NM_001354551.2); c.361+4277A>T (NM_001354550.2); c.809A>T, p.Asn270Ile (NM_001354546.2); short protein forms N332I, N270I, N309I, N329I.
Identifiers: ClinVar variation 2891877 (VCV002891877.4), dbSNP rs556829175, ClinGen allele CA391354622.
Genomic context (GRCh38, chr15:25,371,188, plus strand): 5'-ATGACTTTATAAGTAATAAGTTGCTGAAATGTCTCCATCATTCTCCGAATCTGGTCTGCA[T>A]TGTATTTAGACCACAGTCTGATCAGTTTTCCTTGGGCTGCAAGGGGTAGCTTGCTCATCG-3'
Protein context (NP_570854.1, residues 319-339): GKLIRLWSKY[Asn329Ile]ADQIRRMMET

ClinVar aggregate classification (germline): Uncertain significance. Review status: criteria provided, multiple submitters, no conflicts (2 of 4 stars). 2 submissions from 2 submitters: Uncertain significance (2). Last evaluated 2025-12-30.

Conditions:
Angelman syndrome (AS). Also called: HAPPY PUPPET SYNDROME. Identifiers: Orphanet 72, MedGen C0162635, MONDO:0007113, OMIM 105830. Disease mechanism: loss of function. Inheritance: AS is caused by disruption of maternally imprinted UBE3A located within the 15q11.2-q13 Angelman syndrome/Prader-Willi syndrome (AS/PWS) region., imprinting disorder.

gnomAD v4.1: 6 of 1,614,134 alleles (0.00037%); highest among the groups gnomAD compares: Non-Finnish European, 0.00051%; no homozygotes.

Submissions (2):

Women's Health and Genetics/Laboratory Corporation of America, LabCorp
Classification: Uncertain significance. Last evaluated: 2025-12-30. Review status: criteria provided, single submitter. Criteria: LabCorp Variant Classification Summary - May 2015. Collection method: clinical testing. Allele origin: germline.
Comment: Variant summary: UBE3A c.926A>T (p.Asn309Ile) results in a non-conservative amino acid change in the encoded protein sequence. Algorithms developed to predict the effect of missense changes on protein structure and function are either unavailable or do not agree on the potential impact of this missense change. The variant allele was found at a frequency of 4e-06 in 251230 control chromosomes. The available data on variant occurrences in the general population are insufficient to allow any conclusion about variant significance. To our knowledge, no occurrence of c.926A>T in individuals affected with UBE3A-related conditions and no experimental evidence demonstrating its impact on protein function have been reported. ClinVar contains an entry for this variant (Variation ID: 2891877). Based on the evidence outlined above, the variant was classified as uncertain significance.

Labcorp Genetics (formerly Invitae), Labcorp
Classification: Uncertain significance for Angelman syndrome. Last evaluated: 2025-10-01. Review status: criteria provided, single submitter. Criteria: Invitae Variant Classification Sherloc (09022015). Collection method: clinical testing. Allele origin: germline.
Comment: This sequence change replaces asparagine, which is neutral and polar, with isoleucine, which is neutral and non-polar, at codon 309 of the UBE3A protein (p.Asn309Ile). This variant is present in population databases (no rsID available, gnomAD 0.0009%). This variant has not been reported in the literature in individuals affected with UBE3A-related conditions. ClinVar contains an entry for this variant (Variation ID: 2891877). Invitae Evidence Modeling of protein sequence and biophysical properties (such as structural, functional, and spatial information, amino acid conservation, physicochemical variation, residue mobility, and thermodynamic stability) indicates that this missense variant is not expected to disrupt UBE3A protein function with a negative predictive value of 80%. In summary, the available evidence is currently insufficient to determine the role of this variant in disease. Therefore, it has been classified as a Variant of Uncertain Significance.